The following is an entry in ClinVar:

NM_017436.7(A4GALT):c.16G>A (p.Asp6Asn)

Gene: A4GALT (alpha 1,4-galactosyltransferase (P1PK blood group); minus strand). Cytogenetic location: 22q13.2.
Variant type: single nucleotide variant.
Coding change: c.16G>A on transcript NM_017436.7 (MANE Select); coding-DNA position 16, G replaced by A.
Protein change: p.Asp6Asn; replaces aspartic acid 6 with asparagine.
Molecular consequence: missense variant.
Genome position (GRCh38, 1-based): chr22:42,693,936, C>T on the plus strand (G>A on the coding strand, the complement: A4GALT is on the minus strand). VCF-style: chr22-42693936-C-T. GRCh37 (hg19) VCF-style: chr22-43089942-C-T.
Other names: c.16G>A, p.Asp6Asn (NM_001318038.3); short protein forms D6N.
Identifiers: ClinVar variation 4744211 (VCV004744211.1).

ClinVar aggregate classification (germline): Uncertain significance (1 of 4 stars; one submission).

gnomAD v4.1: 56 of 1,590,790 alleles (0.0035%); highest among the groups gnomAD compares: African/African-American, 0.07%; no homozygotes.

Submission:

Labcorp Genetics (formerly Invitae), Labcorp
Classification: Uncertain significance. Last evaluated: 2025-02-10. Review status: criteria provided, single submitter. Criteria: Invitae Variant Classification Sherloc (09022015). Collection method: clinical testing. Allele origin: germline.
Comment: This sequence change replaces aspartic acid, which is acidic and polar, with asparagine, which is neutral and polar, at codon 6 of the A4GALT protein (p.Asp6Asn). This variant is present in population databases (rs532248481, gnomAD 0.06%), and has an allele count higher than expected for a pathogenic variant. This variant has not been reported in the literature in individuals affected with A4GALT-related conditions. An algorithm developed to predict the effect of missense changes on protein structure and function outputs the following: PolyPhen-2: "Benign". The asparagine amino acid residue is found in multiple mammalian species, which suggests that this missense change does not adversely affect protein function. In summary, the available evidence is currently insufficient to determine the role of this variant in disease. Therefore, it has been classified as a Variant of Uncertain Significance.